The following is an entry in ClinVar:

NM_000875.5(IGF1R):c.1532G>A (p.Arg511Gln)

Gene: IGF1R (insulin like growth factor 1 receptor; plus strand). Cytogenetic location: 15q26.3.
Variant type: single nucleotide variant.
Coding change: c.1532G>A on transcript NM_000875.5 (MANE Select); coding-DNA position 1532, G replaced by A.
Protein change: p.Arg511Gln; replaces arginine 511 with glutamine.
Molecular consequence: missense variant.
Genome position (GRCh38, 1-based): chr15:98,911,384, G>A. VCF-style: chr15-98911384-G-A. GRCh37 (hg19) VCF-style: chr15-99454613-G-A.
Other names: R481Q; c.1532G>A, p.Arg511Gln (NM_001291858.2); short protein forms R511Q.
Identifiers: ClinVar variation 14794 (VCV000014794.68), dbSNP rs33958176, ClinGen allele CA124316.
Genomic context (GRCh38, chr15:98,911,384, plus strand): 5'-ACGTCCTGCATTTCACCTCCACCACCACGTCGAAGAATCGCATCATCATAACCTGGCACC[G>A]GTACCGGCCCCCTGACTACAGGGATCTCATCAGCTTCACCGTTTACTACAAGGAAGCGTG-3'
Protein context (NP_000866.1, residues 501-521): SKNRIIITWH[Arg511Gln]YRPPDYRDLI

ClinVar aggregate classification (germline): Conflicting classifications of pathogenicity. Review status: criteria provided, conflicting classifications (1 of 4 stars). 10 submissions from 10 submitters: Uncertain significance (3); Likely benign (6). 1 of the submissions does not count toward it. Last evaluated 2026-06-03.

Conditions:
IGF1R-related disorder. Also called: IGF1R-related condition.
Growth delay due to insulin-like growth factor I resistance. Also called: Somatomedin end-organ insensitivity to; Somatomedin-c resistance to; IGF-1 resistance; IGF-I RESISTANCE; Insulin-Like Growth Factor I Resistance. Identifiers: Orphanet 73273, MedGen C1849157, MONDO:0010038, OMIM 270450.

Allele frequency attached by ClinVar (database versions not stated): gnomAD exomes 0.00278 and 0.00159; 1000 Genomes Project 30x 0.00094; ExAC 0.00143; gnomAD 0.00172 and 0.00176; TOPMed 0.00188; 1000 Genomes Project 0.00080.
gnomAD v4.1: 4,322 of 1,614,162 alleles (0.27%); highest among the groups gnomAD compares: Non-Finnish European, 0.34%; 10 homozygotes.

Submissions (10):

Women's Health and Genetics/Laboratory Corporation of America, LabCorp
Classification: Likely benign. Last evaluated: 2026-06-03. Review status: criteria provided, single submitter. Criteria: LabCorp Variant Classification Summary - May 2015. Collection method: clinical testing. Allele origin: germline.
Comment: Variant summary: IGF1R c.1532G>A (p.Arg511Gln) results in a conservative amino acid change in the encoded protein sequence. Algorithms developed to predict the effect of missense changes on protein structure and function are either unavailable or do not agree on the potential impact of this missense change. The variant allele was found at a frequency of 0.0016 in 251478 control chromosomes in the gnomAD database, including 1 homozygote. The observed variant frequency exceeds the estimated maximal expected allele frequency for disease-causing variants in IGF1R. c.1532G>A has been observed in individual(s) affected with growth retardation, prostate cancer but also in the control population (Kansra_2012, Inagaki_2007, Wei_2023). These report(s) do not provide unequivocal conclusions about association of the variant with disease. At least one publication reports experimental evidence evaluating an impact on protein function in NIH-3T3 cells (Inagaki_2007). These results showed no damaging effect of this variant. The following publications have been ascertained in the context of this evaluation (PMID: 17264177, 22972910, 36567534). ClinVar contains an entry for this variant (Variation ID: 14794). Based on the evidence outlined above, the variant was classified as likely benign.

Labcorp Genetics (formerly Invitae), Labcorp
Classification: Likely benign. Last evaluated: 2026-01-24. Review status: criteria provided, single submitter. Criteria: Invitae Variant Classification Sherloc (09022015). Collection method: clinical testing. Allele origin: germline.

PreventionGenetics, part of Exact Sciences
Classification: Likely benign for IGF1R-related condition. Last evaluated: 2025-08-28. Review status: criteria provided, single submitter. Criteria: ACMG Guidelines, 2015. Collection method: clinical testing. Allele origin: germline.
Comment: This variant is classified as likely benign based on ACMG/AMP sequence variant interpretation guidelines (Richards et al. 2015 PMID: 25741868, with internal and published modifications).

CeGaT Center for Human Genetics Tuebingen
Classification: Likely benign. Last evaluated: 2025-06-01. Review status: criteria provided, single submitter. Criteria: CeGaT Center For Human Genetics Tuebingen Variant Classification Criteria Version 2. Collection method: clinical testing. Allele origin: germline. Affected: yes. Observed: 6 variant alleles.
Comment: IGF1R: BP4, BS2

Genetic Services Laboratory, University of Chicago
Classification: Likely benign. Last evaluated: 2021-07-27. Review status: criteria provided, single submitter. Criteria: ACMG Guidelines, 2015. Collection method: clinical testing. Allele origin: germline. Affected: no.

Revvity Omics, Revvity
Classification: Uncertain significance for Growth delay due to insulin-like growth factor I resistance. Last evaluated: 2020-12-11. Review status: criteria provided, single submitter. Criteria: ACMG Guidelines, 2015. Collection method: clinical testing. Allele origin: germline.

GeneDx
Classification: Likely benign. Last evaluated: 2018-11-28. Review status: criteria provided, single submitter. Criteria: GeneDx Variant Classification Process June 2021. Collection method: clinical testing. Allele origin: germline. Affected: yes.
Comment: This variant is associated with the following publications: (PMID: 17264177, 20625407, 22972910, 23771920)

Illumina Laboratory Services, Illumina
Classification: Uncertain significance for Growth delay due to insulin-like growth factor I resistance. Last evaluated: 2017-04-27. Review status: criteria provided, single submitter. Criteria: ICSL Variant Classification Criteria 13 December 2019. Collection method: clinical testing. Allele origin: germline.

Eurofins Ntd Llc (ga)
Classification: Uncertain significance. Last evaluated: 2016-03-29. Review status: criteria provided, single submitter. Criteria: EGL Classification Definitions 2015. Collection method: clinical testing. Allele origin: germline. Observed: 3 variant alleles, 3 heterozygotes.

OMIM
Classification: protective for INSULIN-LIKE GROWTH FACTOR I, RESISTANCE TO. Last evaluated: 2007-04-01. Review status: no assertion criteria provided. Collection method: literature only. Allele origin: germline. Not counted in ClinVar's aggregate classification.

Literature cited by the submitters: PubMed 17264177 (cited by Women's Health and Genetics/Laboratory Corporation of America, LabCorp and OMIM); PubMed 22972910 (cited by Women's Health and Genetics/Laboratory Corporation of America, LabCorp); PubMed 36567534 (cited by Women's Health and Genetics/Laboratory Corporation of America, LabCorp).